The following is an entry in ClinVar:

NM_182920.2(ADAMTS9):c.4783T>A (p.Cys1595Ser)

Gene: ADAMTS9 (ADAM metallopeptidase with thrombospondin type 1 motif 9; minus strand). Cytogenetic location: 3p14.1.
Variant type: single nucleotide variant.
Coding change: c.4783T>A on transcript NM_182920.2 (MANE Select); coding-DNA position 4783, T replaced by A.
Protein change: p.Cys1595Ser; replaces cysteine 1595 with serine.
Molecular consequence: missense variant.
Genome position (GRCh38, 1-based): chr3:64,550,978, A>T on the plus strand (T>A on the coding strand, the complement: ADAMTS9 is on the minus strand). VCF-style: chr3-64550978-A-T. GRCh37 (hg19) VCF-style: chr3-64536654-A-T.
Other names: c.4699T>A, p.Cys1567Ser (NM_001318781.2); short protein forms C1567S, C1595S.
Identifiers: ClinVar variation 2096577 (VCV002096577.4), dbSNP rs2471245247, ClinGen allele CA353447055.
Genomic context (GRCh38, chr3:64,550,978, plus strand): 5'-CATACTCGCAGGGTTGCAAACTACAGCTTTCACGGTCCACCGGCCGCTTGCTCACGTCAC[A>T]GCGTGCCCCATGCACCTCGTTTTTGTTGTCATCCACACACACCACCTTGCGGTACCTGGA-3'
Protein context (NP_891550.1, residues 1585-1605): DNKNEVHGAR[Cys1595Ser]DVSKRPVDRE

ClinVar aggregate classification (germline): Uncertain significance (1 of 4 stars; one submission).

Submission:

Labcorp Genetics (formerly Invitae), Labcorp
Classification: Uncertain significance. Last evaluated: 2023-11-27. Review status: criteria provided, single submitter. Criteria: Invitae Variant Classification Sherloc (09022015). Collection method: clinical testing. Allele origin: germline.
Comment: This sequence change replaces cysteine, which is neutral and slightly polar, with serine, which is neutral and polar, at codon 1595 of the ADAMTS9 protein (p.Cys1595Ser). This variant is not present in population databases (gnomAD no frequency). This variant has not been reported in the literature in individuals affected with ADAMTS9-related conditions. ClinVar contains an entry for this variant (Variation ID: 2096577). An algorithm developed to predict the effect of missense changes on protein structure and function (PolyPhen-2) suggests that this variant is likely to be disruptive. In summary, the available evidence is currently insufficient to determine the role of this variant in disease. Therefore, it has been classified as a Variant of Uncertain Significance.